The following is an entry in ClinVar:

NM_152564.5(VPS13B):c.7890G>A (p.Leu2630=)

Gene: VPS13B (vacuolar protein sorting 13 homolog B; plus strand). Cytogenetic location: 8q22.2.
Variant type: single nucleotide variant.
Coding change: c.7890G>A on transcript NM_152564.5 (MANE Select); coding-DNA position 7890, G replaced by A.
Protein change: p.Leu2630=; no amino-acid change (leucine 2630 retained).
Molecular consequence: synonymous variant.
Genome position (GRCh38, 1-based): chr8:99,784,425, G>A. VCF-style: chr8-99784425-G-A. GRCh37 (hg19) VCF-style: chr8-100796653-G-A.
Other names: c.7965G>A, p.Leu2655= (NM_017890.5).
Identifiers: ClinVar variation 2823102 (VCV002823102.4), dbSNP rs2491873833, ClinGen allele CA462335308.

ClinVar aggregate classification (germline): Likely benign. Review status: criteria provided, single submitter (1 of 4 stars). 2 submissions from 2 submitters: Likely benign (1). 1 of the submissions does not count toward it. Last evaluated 2022-12-22.

Conditions:
VPS13B-related disorder. Also called: VPS13B-related condition.
Cohen syndrome (COH1). Also called: PEPPER SYNDROME; Cutis verticis gyrata, retinitis pigmentosa, and sensorineural deafness. Identifiers: Orphanet 193, MedGen C0265223, MONDO:0008999, OMIM 216550.

Submissions (2):

Labcorp Genetics (formerly Invitae), Labcorp
Classification: Likely benign for Cohen syndrome. Last evaluated: 2022-12-22. Review status: criteria provided, single submitter. Criteria: Invitae Variant Classification Sherloc (09022015). Collection method: clinical testing. Allele origin: germline.

PreventionGenetics, part of Exact Sciences
Classification: Likely benign for VPS13B-related condition. Last evaluated: 2022-11-23. Review status: no assertion criteria provided. Collection method: clinical testing. Allele origin: germline. Not counted in ClinVar's aggregate classification.
Comment: This variant is classified as likely benign based on ACMG/AMP sequence variant interpretation guidelines (Richards et al. 2015 PMID: 25741868, with internal and published modifications).